The following is an entry in ClinVar:

ClinVar aggregate classification (germline): Likely benign (0 of 4 stars; one submission).

Conditions:
SFTPA1-related disorder. Also called: SFTPA1-related condition.

Allele frequency attached by ClinVar (database versions not stated): ExAC 0.00001; gnomAD 0.00001; gnomAD exomes 0.00001; TOPMed 0.00001.

Submission:

PreventionGenetics, part of Exact Sciences
Classification: Likely benign for SFTPA1-related condition. Last evaluated: 2021-03-16. Review status: no assertion criteria provided. Collection method: clinical testing. Allele origin: germline.
Comment: This variant is classified as likely benign based on ACMG/AMP sequence variant interpretation guidelines (Richards et al. 2015 PMID: 25741868, with internal and published modifications).

NM_005411.5(SFTPA1):c.72C>T (p.Asp24=)

Gene: SFTPA1 (surfactant protein A1; plus strand). Cytogenetic location: 10q22.3.
Variant type: single nucleotide variant.
Coding change: c.72C>T on transcript NM_005411.5 (MANE Select); coding-DNA position 72, C replaced by T.
Protein change: p.Asp24=; no amino-acid change (aspartic acid 24 retained).
Molecular consequence: synonymous variant.
Genome position (GRCh38, 1-based): chr10:79,611,897, C>T. VCF-style: chr10-79611897-C-T. GRCh37 (hg19) VCF-style: chr10-81371653-C-T.
Other names: c.117C>T, p.Asp39= (NM_001093770.3, NM_001164645.2); c.72C>T, p.Asp24= (NM_001164644.2, NM_001164646.2, NM_001164647.1).
Identifiers: ClinVar variation 3030634 (VCV003030634.2), dbSNP rs765100676, ClinGen allele CA5574379.